The following is an entry in ClinVar:

ClinVar aggregate classification (germline): Uncertain significance (1 of 4 stars; one submission).

Conditions:
Neuropathy, hereditary sensory, type 1F. Also called: HSN IF; Hereditary sensory neuropathy type IF. Identifiers: Orphanet 36386, MedGen C3810194, MONDO:0014286, OMIM 615632.

Allele frequency attached by ClinVar (database versions not stated): gnomAD exomes below 0.00001; TOPMed below 0.00001; gnomAD 0.00001.
gnomAD v4.1: 7 of 1,592,514 alleles (0.00044%); highest among the groups gnomAD compares: Non-Finnish European, 0.00051%; no homozygotes.

Submission:

Labcorp Genetics (formerly Invitae), Labcorp
Classification: Uncertain significance for Neuropathy, hereditary sensory, type 1F. Last evaluated: 2023-11-27. Review status: criteria provided, single submitter. Criteria: Invitae Variant Classification Sherloc (09022015). Collection method: clinical testing. Allele origin: germline.
Comment: This sequence change falls in intron 5 of the ATL3 gene. It does not directly change the encoded amino acid sequence of the ATL3 protein. It affects a nucleotide within the consensus splice site. This variant is present in population databases (no rsID available, gnomAD 0.007%). This variant has not been reported in the literature in individuals affected with ATL3-related conditions. Variants that disrupt the consensus splice site are a relatively common cause of aberrant splicing (PMID: 17576681, 9536098). Algorithms developed to predict the effect of sequence changes on RNA splicing suggest that this variant may disrupt the consensus splice site. In summary, the available evidence is currently insufficient to determine the role of this variant in disease. Therefore, it has been classified as a Variant of Uncertain Significance.

Literature cited by the submitters: PubMed 17576681; PubMed 9536098.

NM_015459.5(ATL3):c.561+3A>G

Genes: ATL3 (atlastin GTPase 3; minus strand), LNCROPM (lncRNA regulator of PLAAT3 mediated phospholipid metabolism; plus strand). Cytogenetic location: 11q13.1.
Variant type: single nucleotide variant.
Coding change: c.561+3A>G on transcript NM_015459.5 (MANE Select); 3 bases into the intron after coding-DNA position 561, A replaced by G.
Molecular consequence: intron variant.
Genome position (GRCh38, 1-based): chr11:63,651,933, T>C on the plus strand (A>G on the coding strand, the complement: ATL3 is on the minus strand). VCF-style: chr11-63651933-T-C. GRCh37 (hg19) VCF-style: chr11-63419405-T-C.
Other names: c.507+3A>G (NM_001290048.2).
Identifiers: ClinVar variation 3014475 (VCV003014475.3), dbSNP rs995315271, ClinGen allele CA223748069.